The following is an entry in ClinVar:

ClinVar aggregate classification (germline): Uncertain significance (1 of 4 stars; one submission).

Conditions:
Cardiovascular phenotype. Identifiers: MedGen CN230736.

Allele frequency attached by ClinVar (database versions not stated): gnomAD exomes below 0.00001.
gnomAD v4.1: 1 of 1,613,312 alleles (0.000062%); highest among the groups gnomAD compares: Non-Finnish European, 0.000085%; no homozygotes.

Submission:

Ambry Genetics
Classification: Uncertain significance for Cardiovascular phenotype. Last evaluated: 2022-01-03. Review status: criteria provided, single submitter. Criteria: Ambry Variant Classification Scheme 2023. Collection method: clinical testing. Allele origin: germline.
Comment: The p.P2S variant (also known as c.4C>T), located in coding exon 1 of the CSRP3 gene, results from a C to T substitution at nucleotide position 4. The proline at codon 2 is replaced by serine, an amino acid with similar properties. This amino acid position is highly conserved in available vertebrate species. In addition, this alteration is predicted to be tolerated by in silico analysis. Since supporting evidence is limited at this time, the clinical significance of this alteration remains unclear.

NM_003476.5(CSRP3):c.4C>T (p.Pro2Ser)

Gene: CSRP3 (cysteine and glycine rich protein 3; minus strand). Cytogenetic location: 11p15.1.
Variant type: single nucleotide variant.
Coding change: c.4C>T on transcript NM_003476.5 (MANE Select); coding-DNA position 4, C replaced by T.
Protein change: p.Pro2Ser; replaces proline 2 with serine.
Molecular consequence: missense variant.
Genome position (GRCh38, 1-based): chr11:19,192,445, G>A on the plus strand (C>T on the coding strand, the complement: CSRP3 is on the minus strand). VCF-style: chr11-19192445-G-A. GRCh37 (hg19) VCF-style: chr11-19213992-G-A.
Other names: c.4C>T, p.Pro2Ser (NM_001127656.1, NM_001369404.1); short protein forms P2S.
Identifiers: ClinVar variation 1744692 (VCV001744692.2), dbSNP rs2494229288, ClinGen allele CA379888699.